The following is an entry in ClinVar:

ClinVar aggregate classification (germline): Likely benign. Review status: criteria provided, multiple submitters, no conflicts (2 of 4 stars). 2 submissions from 2 submitters: Likely benign (2). Last evaluated 2025-12-23.

Conditions:
Leigh syndrome (NULS). Also called: LEIGH SYNDROME, NUCLEAR; Leigh's necrotizing encephalopathy; Leigh's disease; Leigh Disease; Leigh Syndrome (mtDNA deletion); Leigh's syndrome. Identifiers: Orphanet 506, MedGen C2931891, MONDO:0009723, OMIM 256000.

Allele frequency attached by ClinVar (database versions not stated): gnomAD exomes 0.00003; ESP Exome Variant Server 0.00008; gnomAD 0.00016 and 0.00019; TOPMed 0.00022.
gnomAD v4.1: 53 of 1,614,092 alleles (0.0033%); highest among the groups gnomAD compares: African/African-American, 0.059%; no homozygotes.

Submissions (2):

Labcorp Genetics (formerly Invitae), Labcorp
Classification: Likely benign for Leigh syndrome. Last evaluated: 2025-12-23. Review status: criteria provided, single submitter. Criteria: Invitae Variant Classification Sherloc (09022015). Collection method: clinical testing. Allele origin: germline.

GeneDx
Classification: Likely benign. Last evaluated: 2016-09-02. Review status: criteria provided, single submitter. Criteria: GeneDx Variant Classification (06012015). Collection method: clinical testing. Allele origin: germline. Affected: yes.
Comment: This variant is considered likely benign or benign based on one or more of the following criteria: it is a conservative change, it occurs at a poorly conserved position in the protein, it is predicted to be benign by multiple in silico algorithms, and/or has population frequency not consistent with disease.

NM_003172.4(SURF1):c.657G>A (p.Glu219=)

Gene: SURF1 (SURF1 cytochrome c oxidase assembly factor; minus strand). Cytogenetic location: 9q34.2.
Variant type: single nucleotide variant.
Coding change: c.657G>A on transcript NM_003172.4 (MANE Select); coding-DNA position 657, G replaced by A.
Protein change: p.Glu219=; no amino-acid change (glutamic acid 219 retained).
Molecular consequence: synonymous variant.
Genome position (GRCh38, 1-based): chr9:133,352,540, C>T on the plus strand (G>A on the coding strand, the complement: SURF1 is on the minus strand). VCF-style: chr9-133352540-C-T. GRCh37 (hg19) VCF-style: chr9-136219395-C-T.
Other names: c.330G>A, p.Glu110= (NM_001280787.1).
Identifiers: ClinVar variation 388763 (VCV000388763.9), dbSNP rs149494670, ClinGen allele CA16605407.